The following is an entry in ClinVar:

NM_004655.4(AXIN2):c.852C>G (p.His284Gln)

Gene: AXIN2 (axin 2; minus strand). Cytogenetic location: 17q24.1.
Variant type: single nucleotide variant.
Coding change: c.852C>G on transcript NM_004655.4 (MANE Select); coding-DNA position 852, C replaced by G.
Protein change: p.His284Gln; replaces histidine 284 with glutamine.
Molecular consequence: missense variant.
Genome position (GRCh38, 1-based): chr17:65,549,624, G>C on the plus strand (C>G on the coding strand, the complement: AXIN2 is on the minus strand). VCF-style: chr17-65549624-G-C. GRCh37 (hg19) VCF-style: chr17-63545742-G-C.
Other names: c.852C>G, p.His284Gln (NM_001363813.1); short protein forms H284Q.
Identifiers: ClinVar variation 2711106 (VCV002711106.3), dbSNP rs2044164511, ClinGen allele CA400679636.
Genomic context (GRCh38, chr17:65,549,624, plus strand): 5'-ACTGGATATCTCACTGTCGTTGGCGCTGGTGGCTGGTGCAAAGACATAGCCAGAACCTAT[G>C]TGATAAGGATTAACAGGATCGCTCCTCTTGAAGGACCTATGGGCAAAGTACAAAAGTGGT-3'
Protein context (NP_004646.3, residues 274-294): FKRSDPVNPY[His284Gln]IGSGYVFAPA

ClinVar aggregate classification (germline): Uncertain significance (1 of 4 stars; one submission).

Conditions:
Oligodontia-cancer predisposition syndrome. Also called: TOOTH AGENESIS-COLORECTAL CANCER SYNDROME. Identifiers: Orphanet 300576, MedGen C1837750, MONDO:0012075, OMIM 608615. Disease mechanism: loss of function.

Allele frequency attached by ClinVar (database versions not stated): TOPMed below 0.00001.

Submission:

Labcorp Genetics (formerly Invitae), Labcorp
Classification: Uncertain significance for Oligodontia-cancer predisposition syndrome. Last evaluated: 2024-01-24. Review status: criteria provided, single submitter. Criteria: Invitae Variant Classification Sherloc (09022015). Collection method: clinical testing. Allele origin: germline.
Comment: This sequence change replaces histidine, which is basic and polar, with glutamine, which is neutral and polar, at codon 284 of the AXIN2 protein (p.His284Gln). This variant is not present in population databases (gnomAD no frequency). This variant has not been reported in the literature in individuals affected with AXIN2-related conditions. Advanced modeling of protein sequence and biophysical properties (such as structural, functional, and spatial information, amino acid conservation, physicochemical variation, residue mobility, and thermodynamic stability) performed at Invitae indicates that this missense variant is not expected to disrupt AXIN2 protein function with a negative predictive value of 80%. In summary, the available evidence is currently insufficient to determine the role of this variant in disease. Therefore, it has been classified as a Variant of Uncertain Significance.